The following is an entry in ClinVar:

NM_024675.4(PALB2):c.1653_1655del (p.Tyr551_Gln552delinsTer)

Gene: PALB2 (partner and localizer of BRCA2; minus strand). Cytogenetic location: 16p12.2.
Variant type: Deletion.
Coding change: c.1653_1655del on transcript NM_024675.4 (MANE Select); coding-DNA positions 1653 to 1655, 3 bases deleted (TCA; older notation c.1653_1655delTCA).
Protein change: p.Tyr551_Gln552delinsTer.
Molecular consequence: nonsense. On other transcripts: intron variant (3).
Genome position (GRCh38, 1-based): chr16:23,634,891-23,634,893, TGA deleted on the plus strand (TCA on the coding strand, the reverse complement: PALB2 is on the minus strand); deleting any 3 consecutive bases within chr16:23,634,891-23,634,894 gives the same sequence; the c. name uses the placement nearest the transcript's 3' end. VCF-style (leftmost placement, unchanged base first): chr16-23634890-CTGA-C. GRCh37 (hg19) VCF-style: chr16-23646211-CTGA-C.
Other names: c.1593_1595del, p.Tyr531_Gln532delinsTer (NM_001407296.1); c.1653_1655del, p.Tyr551_Gln552delinsTer (NM_001407297.1, NM_001407298.1, NM_001407299.1 and 3 more transcripts); c.768_770del, p.Tyr256_Gln257delinsTer (NM_001407304.1, NM_001407305.1, NM_001407306.1 and 5 more transcripts); c.49-5618_49-5616del (NM_001407314.1); c.-104-4424_-104-4422del (NM_001407313.1, NM_001407312.1); c.1653_1655delTCA (NM_024675.3).
Identifiers: ClinVar variation 3413472 (VCV003413472.1).

ClinVar aggregate classification (germline): Pathogenic (1 of 4 stars; one submission).

Conditions:
Hereditary cancer-predisposing syndrome. Also called: Neoplastic Syndromes, Hereditary; Tumor predisposition; Hereditary Cancer Syndrome; Hereditary neoplastic syndrome. Identifiers: Orphanet 140162, MedGen C0027672, MeSH D009386, MONDO:0015356.

Submission:

Ambry Genetics
Classification: Pathogenic for Hereditary cancer-predisposing syndrome. Last evaluated: 2024-10-12. Review status: criteria provided, single submitter. Criteria: Ambry Variant Classification Scheme 2023. Collection method: clinical testing. Allele origin: germline.
Comment: The c.1653_1655delTCA pathogenic mutation, located in coding exon 4 of the PALB2 gene, results from a TCA deletion at nucleotide positions 1653 to 1655, causing a predicted alternate stop codon (p.Y551*). This variant is considered to be rare based on population cohorts in the Genome Aggregation Database (gnomAD). This alteration is expected to result in loss of function by premature protein truncation or nonsense-mediated mRNA decay. As such, this alteration is interpreted as a disease-causing mutation.